The following is an entry in ClinVar:

NM_001146312.3(MYOCD):c.818A>G (p.Gln273Arg)

Gene: MYOCD (myocardin; plus strand). Cytogenetic location: 17p12.
Variant type: single nucleotide variant.
Coding change: c.818A>G on transcript NM_001146312.3 (MANE Select); coding-DNA position 818, A replaced by G.
Protein change: p.Gln273Arg; replaces glutamine 273 with arginine.
Molecular consequence: missense variant.
Genome position (GRCh38, 1-based): chr17:12,744,283, A>G. VCF-style: chr17-12744283-A-G. GRCh37 (hg19) VCF-style: chr17-12647600-A-G.
Other names: c.581A>G, p.Gln194Arg (NM_001378306.1); c.818A>G, p.Gln273Arg (NM_153604.4); short protein forms Q194R, Q273R.
Identifiers: ClinVar variation 3342951 (VCV003342951.2).

ClinVar aggregate classification (germline): Uncertain significance (1 of 4 stars; one submission).

Submission:

GeneDx
Classification: Uncertain significance. Last evaluated: 2025-05-15. Review status: criteria provided, single submitter. Criteria: GeneDx Variant Classification Process June 2021. Collection method: clinical testing. Allele origin: germline.
Comment: Not observed at significant frequency in large population cohorts (gnomAD); In silico analysis supports that this missense variant has a deleterious effect on protein structure/function; Has not been previously published as pathogenic or benign to our knowledge